The following is an entry in ClinVar:

ClinVar aggregate classification (germline): Conflicting classifications of pathogenicity. Review status: criteria provided, conflicting classifications (1 of 4 stars). 8 submissions from 8 submitters: Uncertain significance (2); Likely benign (4). 2 of the submissions do not count toward it. Last evaluated 2026-01-27.

Conditions:
Pontocerebellar hypoplasia type 6 (PCH6). Identifiers: Orphanet 166073, MedGen C1969084, MONDO:0012683, OMIM 611523.

Allele frequency attached by ClinVar (database versions not stated): 1000 Genomes Project 0.00040; gnomAD 0.00045 and 0.00046; TOPMed 0.00045; ESP Exome Variant Server 0.00046; 1000 Genomes Project 30x 0.00047.
gnomAD v4.1: 1,067 of 1,606,342 alleles (0.066%); highest among the groups gnomAD compares: Non-Finnish European, 0.085%; no homozygotes.

Submissions (8):

Labcorp Genetics (formerly Invitae), Labcorp
Classification: Likely benign. Last evaluated: 2026-01-27. Review status: criteria provided, single submitter. Criteria: Invitae Variant Classification Sherloc (09022015). Collection method: clinical testing. Allele origin: germline.

CeGaT Center for Human Genetics Tuebingen
Classification: Likely benign. Last evaluated: 2024-12-01. Review status: criteria provided, single submitter. Criteria: CeGaT Center For Human Genetics Tuebingen Variant Classification Criteria Version 2. Collection method: clinical testing. Allele origin: germline. Affected: yes. Observed: 1 variant allele.
Comment: RARS2: BP4, BP7

Blueprint Genetics
Classification: Likely benign. Last evaluated: 2024-11-14. Review status: criteria provided, single submitter. Criteria: ACMG Guidelines, 2015. Collection method: clinical testing. Allele origin: germline.

GeneDx
Classification: Likely benign. Last evaluated: 2021-05-22. Review status: criteria provided, single submitter. Criteria: GeneDx Variant Classification Process June 2021. Collection method: clinical testing. Allele origin: germline. Affected: yes.

Illumina Laboratory Services, Illumina
Classification: Uncertain significance for Pontocerebellar hypoplasia type 6. Last evaluated: 2018-01-13. Review status: criteria provided, single submitter. Criteria: ICSL Variant Classification Criteria 13 December 2019. Collection method: clinical testing. Allele origin: germline.

Eurofins Ntd Llc (ga)
Classification: Uncertain significance. Last evaluated: 2015-02-20. Review status: criteria provided, single submitter. Criteria: EGL Classification Definitions 2015. Collection method: clinical testing. Allele origin: germline. Observed: 1 variant allele, 1 heterozygote.

Natera, Inc.
Classification: Likely benign for Pontocerebellar hypoplasia, type 6. Last evaluated: 2020-06-05. Review status: no assertion criteria provided. Collection method: clinical testing. Allele origin: germline. Not counted in ClinVar's aggregate classification.

Mayo Clinic Laboratories, Mayo Clinic
Classification: Likely benign. Last evaluated: 2016-03-09. Review status: no assertion criteria provided. Collection method: clinical testing. Allele origin: unknown. Not counted in ClinVar's aggregate classification.

NM_020320.5(RARS2):c.78A>C (p.Thr26=)

Gene: RARS2 (arginyl-tRNA synthetase 2, mitochondrial; minus strand). Cytogenetic location: 6q15.
Variant type: single nucleotide variant.
Coding change: c.78A>C on transcript NM_020320.5 (MANE Select); coding-DNA position 78, A replaced by C.
Protein change: p.Thr26=; no amino-acid change (threonine 26 retained).
Molecular consequence: synonymous variant. On other transcripts: 5 prime UTR variant (6), non-coding transcript variant (21), intron variant (1).
Genome position (GRCh38, 1-based): chr6:87,569,549, T>G on the plus strand (A>C on the coding strand, the complement: RARS2 is on the minus strand). VCF-style: chr6-87569549-T-G. GRCh37 (hg19) VCF-style: chr6-88279267-T-G.
Other names: c.-392A>C (NM_001318785.2); c.78A>C, p.Thr26= (NM_001350505.2); c.-448A>C (NM_001350506.2, NM_001350507.2, NM_001350510.2); c.-610A>C (NM_001350508.2); c.-567A>C (NM_001350511.2); c.-359-5317A>C (NM_001350509.2).
Identifiers: ClinVar variation 195354 (VCV000195354.40), dbSNP rs138360045, ClinGen allele CA241766.
Genomic context (GRCh38, chr6:87,569,549, plus strand): 5'-AGATTGTTACAAGTGTATTATACTTAACTCTTTTTGGGAAATTGGAACTGCAGATATTGA[T>G]GTGATCAAGTTTTCTGGTGGAAGATTCAACACTCTGGAAAGCTAAAAATCAAAAAGAACA-3'
Protein context (NP_064716.2, residues 16-36): VLNLPPENLI[Thr26=]SISAVPISQK